The following is an entry in ClinVar:

ClinVar aggregate classification (germline): Likely pathogenic. Review status: criteria provided, multiple submitters, no conflicts (2 of 4 stars). 2 submissions from 2 submitters: Likely pathogenic (2). Last evaluated 2025-09-25.

Conditions:
Niemann-Pick disease, type C1. Also called: NEUROVISCERAL STORAGE DISEASE WITH VERTICAL SUPRANUCLEAR OPHTHALMOPLEGIA; NIEMANN-PICK DISEASE WITH CHOLESTEROL ESTERIFICATION BLOCK; NIEMANN-PICK DISEASE WITHOUT SPHINGOMYELINASE DEFICIENCY; NIEMANN-PICK DISEASE, CHRONIC NEURONOPATHIC FORM; NIEMANN-PICK DISEASE, VARIANT TYPE C1. Identifiers: Orphanet 646, MedGen C3179455, MONDO:0009757, OMIM 257220.

Submissions (2):

3billion
Classification: Likely pathogenic for Niemann-Pick disease, type C1. Last evaluated: 2025-09-25. Review status: criteria provided, single submitter. Criteria: ACMG Guidelines, 2015. Collection method: clinical testing. Allele origin: germline. Affected: yes.
Comment: The variant is not observed in the gnomAD v4.1.0 dataset. Predicted Consequence/Location: Missense variant In silico tool predictions suggest damaging effect of the variant on gene or gene product [REVEL: 0.92 (>=0.6, sensitivity 0.68 and specificity 0.92); 3Cnet: 0.87 (> 0.75, sensitivity 0.96 and precision 0.92)]. The same nucleotide change resulting in the same amino acid change has been previously reported to be associated with NPC1-related disorder (PMID: 35614200).The variant has been reported to be in trans with a pathogenic variant as either compound heterozygous or homozygous in at least one similarly affected unrelated individual (PMID: 35614200). Therefore, this variant is classified as Likely pathogenic according to the recommendation of ACMG/AMP guideline.

Medical Molecular Genetics Department, National Research Center
Classification: Likely pathogenic for Niemann-Pick disease, type C1. Last evaluated: 2017-11-02. Review status: criteria provided, single submitter. Criteria: ACMG Guidelines, 2015. Collection method: clinical testing. Allele origin: inherited. Affected: yes. Observed: 1 variant allele.

Literature cited by the submitters: PubMed 35614200 (cited by 3billion).

NM_000271.5(NPC1):c.3590C>T (p.Ser1197Phe)

Gene: NPC1 (NPC intracellular cholesterol transporter 1; minus strand). Cytogenetic location: 18q11.2.
Variant type: single nucleotide variant.
Coding change: c.3590C>T on transcript NM_000271.5 (MANE Select); coding-DNA position 3590, C replaced by T.
Protein change: p.Ser1197Phe; replaces serine 1197 with phenylalanine.
Molecular consequence: missense variant.
Genome position (GRCh38, 1-based): chr18:23,534,447, G>A on the plus strand (C>T on the coding strand, the complement: NPC1 is on the minus strand). VCF-style: chr18-23534447-G-A. GRCh37 (hg19) VCF-style: chr18-21114411-G-A.
Other names: short protein forms S1197F.
Identifiers: ClinVar variation 834088 (VCV000834088.4), dbSNP rs1234099104, ClinGen allele CA401790860.